The following is an entry in ClinVar:

ClinVar aggregate classification (germline): Likely benign (1 of 4 stars; one submission).

Allele frequency attached by ClinVar (database versions not stated): gnomAD exomes 0.00030; 1000 Genomes Project 30x 0.00375; gnomAD 0.00409 and 0.00439; TOPMed 0.00435; 1000 Genomes Project 0.00519.
gnomAD v4.1: 941 of 1,170,294 alleles (0.08%); highest among the groups gnomAD compares: African/African-American, 1.4%; 8 homozygotes.

Submission:

GeneDx
Classification: Likely benign. Last evaluated: 2017-07-31. Review status: criteria provided, single submitter. Criteria: GeneDx Variant Classification (06012015). Collection method: clinical testing. Allele origin: germline. Affected: yes.
Comment: This variant is considered likely benign or benign based on one or more of the following criteria: it is a conservative change, it occurs at a poorly conserved position in the protein, it is predicted to be benign by multiple in silico algorithms, and/or has population frequency not consistent with disease.

NM_006059.4(LAMC3):c.-39G>A

Gene: LAMC3 (laminin subunit gamma 3; plus strand). Cytogenetic location: 9q34.12.
Variant type: single nucleotide variant.
Coding change: c.-39G>A on transcript NM_006059.4 (MANE Select); 39 bases upstream of the start codon, G replaced by A.
Molecular consequence: 5 prime UTR variant.
Genome position (GRCh38, 1-based): chr9:131,009,176, G>A. VCF-style: chr9-131009176-G-A. GRCh37 (hg19) VCF-style: chr9-133884563-G-A.
Identifiers: ClinVar variation 381809 (VCV000381809.1), dbSNP rs533170505, ClinGen allele CA5286627.